The following is an entry in ClinVar:

NM_021072.4(HCN1):c.1777C>G (p.Arg593Gly)

Gene: HCN1 (hyperpolarization activated cyclic nucleotide gated potassium channel 1; minus strand). Cytogenetic location: 5p12.
Variant type: single nucleotide variant.
Coding change: c.1777C>G on transcript NM_021072.4 (MANE Select); coding-DNA position 1777, C replaced by G.
Protein change: p.Arg593Gly; replaces arginine 593 with glycine.
Molecular consequence: missense variant.
Genome position (GRCh38, 1-based): chr5:45,267,095, G>C on the plus strand (C>G on the coding strand, the complement: HCN1 is on the minus strand). VCF-style: chr5-45267095-G-C. GRCh37 (hg19) VCF-style: chr5-45267197-G-C.
Other names: short protein forms R593G.
Identifiers: ClinVar variation 857604 (VCV000857604.17), dbSNP rs989268235, ClinGen allele CA118278935.

ClinVar aggregate classification (germline): Conflicting classifications of pathogenicity. Review status: criteria provided, conflicting classifications (1 of 4 stars). 4 submissions from 4 submitters: Uncertain significance (3); Likely benign (1). Last evaluated 2025-06-08.

Conditions:
Developmental and epileptic encephalopathy, 24 (DEE24). Also called: Epileptic encephalopathy, early infantile, 24. Identifiers: Orphanet 442835, MedGen C4014531, MONDO:0014377, OMIM 615871.
Generalized epilepsy with febrile seizures plus, type 10. Also called: GEFS+, TYPE 10. Identifiers: MedGen C5193120, MONDO:0032777, OMIM 618482.
Inborn genetic diseases. Identifiers: MedGen C0950123, MeSH D030342.
Early-infantile DEE. Also called: Early infantile epileptic encephalopathy; Early infantile epileptic encephalopathy with suppression bursts; Ohtahara syndrome. Identifiers: Orphanet 1934, MedGen C0393706, MONDO:0800491.

Allele frequency attached by ClinVar (database versions not stated): gnomAD exomes 0.00003.
gnomAD v4.1: 12 of 1,610,850 alleles (0.00074%); highest among the groups gnomAD compares: Admixed American, 0.013%; no homozygotes.

Submissions (4):

Labcorp Genetics (formerly Invitae), Labcorp
Classification: Uncertain significance for Early-infantile DEE. Last evaluated: 2025-06-08. Review status: criteria provided, single submitter. Criteria: Invitae Variant Classification Sherloc (09022015). Collection method: clinical testing. Allele origin: germline.
Comment: This sequence change replaces arginine, which is basic and polar, with glycine, which is neutral and non-polar, at codon 593 of the HCN1 protein (p.Arg593Gly). This variant is present in population databases (no rsID available, gnomAD 0.02%). This missense change has been observed in individual(s) with clinical features of developmental and epileptic encephalopathy (internal data). ClinVar contains an entry for this variant (Variation ID: 857604). Invitae Evidence Modeling of protein sequence and biophysical properties (such as structural, functional, and spatial information, amino acid conservation, physicochemical variation, residue mobility, and thermodynamic stability) has been performed for this missense variant. However, the output from this modeling did not meet the statistical confidence thresholds required to predict the impact of this variant on HCN1 protein function. In summary, the available evidence is currently insufficient to determine the role of this variant in disease. Therefore, it has been classified as a Variant of Uncertain Significance.

Servicio de Genética Del Instituto Nacional de Salud Del Niño, Ministerio de Salud
Classification: Uncertain significance for Developmental and epileptic encephalopathy, 24. Last evaluated: 2024-11-18. Review status: criteria provided, single submitter. Criteria: ACMG Guidelines, 2015. Collection method: clinical testing. Allele origin: germline. Inheritance: Autosomal dominant inheritance.
Comment: The variant NM_021072.4:c.1777C>G, p.Arg593Gly results in the substitution of arginine with glycine at position 593 in the protein. Arginine is a positively charged amino acid, while glycine is neutral, which may potentially affect the protein’s function or stability. The variant is absent in population databases (PM2), suggesting it is not commonly found in the general population. Additionally, there is a lack of sufficient evidence from functional studies or disease association (BP6), and the computational prediction tools provide conflicting results (PP2). Based on these factors, the variant is classified as uncertain significance.

Ambry Genetics
Classification: Likely benign for Inborn genetic diseases. Last evaluated: 2023-07-12. Review status: criteria provided, single submitter. Criteria: Ambry Variant Classification Scheme 2023. Collection method: clinical testing. Allele origin: germline.

New York Genome Center
Classification: Uncertain significance for Developmental and epileptic encephalopathy, 24; Generalized epilepsy with febrile seizures plus, type 10. Last evaluated: 2020-01-21. Review status: criteria provided, single submitter. Criteria: NYGC Assertion Criteria 2020. Collection method: clinical testing. Allele origin: inherited. Observed: 1 heterozygote. Study: CSER-NYCKidSeq.